The following is an entry in ClinVar:

NM_000302.4(PLOD1):c.71C>T (p.Pro24Leu)

Gene: PLOD1 (procollagen-lysine,2-oxoglutarate 5-dioxygenase 1; plus strand). Cytogenetic location: 1p36.22.
Variant type: single nucleotide variant.
Coding change: c.71C>T on transcript NM_000302.4 (MANE Select); coding-DNA position 71, C replaced by T.
Protein change: p.Pro24Leu; replaces proline 24 with leucine.
Molecular consequence: missense variant.
Genome position (GRCh38, 1-based): chr1:11,934,850, C>T. VCF-style: chr1-11934850-C-T. GRCh37 (hg19) VCF-style: chr1-11994907-C-T.
Other names: c.71C>T, p.Pro24Leu (NM_001316320.2); short protein forms P24L.
Identifiers: ClinVar variation 1044112 (VCV001044112.6), dbSNP rs1438879558, ClinGen allele CA338422866.

ClinVar aggregate classification (germline): Uncertain significance (1 of 4 stars; one submission).

Conditions:
Ehlers-Danlos syndrome, kyphoscoliotic type 1 (EDSKSCL1). Also called: Ehlers-Danlos syndrome, hydroxylysine-deficient; EHLERS-DANLOS SYNDROME, OCULAR-SCOLIOTIC TYPE; PLOD1-Related Kyphoscoliotic Ehlers-Danlos Syndrome; EHLERS-DANLOS SYNDROME, TYPE VIA. Identifiers: Orphanet 1900, MedGen C0268342, MONDO:0016002, OMIM 225400. Disease mechanism: loss of function.

gnomAD v4.1: 2 of 1,538,530 alleles (0.00013%); highest among the groups gnomAD compares: Non-Finnish European, 0.00017%; no homozygotes.

Submission:

Labcorp Genetics (formerly Invitae), Labcorp
Classification: Uncertain significance for Ehlers-Danlos syndrome, kyphoscoliotic type 1. Last evaluated: 2021-08-24. Review status: criteria provided, single submitter. Criteria: Invitae Variant Classification Sherloc (09022015). Collection method: clinical testing. Allele origin: germline.
Comment: This sequence change replaces proline with leucine at codon 24 of the PLOD1 protein (p.Pro24Leu). The proline residue is weakly conserved and there is a moderate physicochemical difference between proline and leucine. The frequency data for this variant in the population databases is considered unreliable, as metrics indicate insufficient coverage at this position in the ExAC database. This variant has not been reported in the literature in individuals affected with PLOD1-related conditions. Algorithms developed to predict the effect of missense changes on protein structure and function output the following: SIFT: "Tolerated"; PolyPhen-2: "Benign"; Align-GVGD: "Class C0". The leucine amino acid residue is found in multiple mammalian species, which suggests that this missense change does not adversely affect protein function. In summary, the available evidence is currently insufficient to determine the role of this variant in disease. Therefore, it has been classified as a Variant of Uncertain Significance.